The following is an entry in ClinVar:

ClinVar aggregate classification (germline): Likely pathogenic (1 of 4 stars; one submission).

Conditions:
Metaphyseal chondrodysplasia, McKusick type (CHH). Also called: Cartilage-hair hypoplasia; Cartilage-Hair Hypoplasia (CHH). Identifiers: Orphanet 175, MedGen C0220748, MONDO:0009595, OMIM 250250.

Submission:

Natera, Inc.
Classification: Likely pathogenic for Cartilage-hair hypoplasia. Last evaluated: 2024-10-18. Review status: criteria provided, single submitter. Criteria: Natera Variant Classification Schema (03/2026). Collection method: clinical testing. Allele origin: germline.
Comment: The n.-18_3dup variant in RMRP, also known as NC_000009.12:g.35658017_35658037dup, is a duplication affecting the RMRP promoter region between the TATA box and the transcription initiation site. Other duplications and insertions just upstream of the transcription initiation site have been reported in individuals affected with cartilage-hair hypoplasia (PMID: 11207361, 17937437). This variant is rare in the general population with a frequency below the threshold expected for the associated phenotype(s). Given the available evidence, this variant is classified as Likely Pathogenic.

Literature cited by the submitters: PubMed 11207361; PubMed 17937437.

NC_000009.12:g.35658017_35658037dup

Gene: RMRP (RNA component of mitochondrial RNA processing endoribonuclease; minus strand). Cytogenetic location: 9p13.3.
Variant type: Duplication.
Genome position: GRCh38 VCF-style: chr9-35658015-A-AACCACGTCCTCAGCTTCACAG. GRCh37 (hg19) VCF-style: chr9-35658012-A-AACCACGTCCTCAGCTTCACAG.
Identifiers: ClinVar variation 4875517 (VCV004875517.1).